The following is an entry in ClinVar:

NM_000138.5(FBN1):c.3914G>A (p.Cys1305Tyr)

Gene: FBN1 (fibrillin 1; minus strand). Cytogenetic location: 15q21.1.
Variant type: single nucleotide variant.
Coding change: c.3914G>A on transcript NM_000138.5 (MANE Select); coding-DNA position 3914, G replaced by A.
Protein change: p.Cys1305Tyr; replaces cysteine 1305 with tyrosine.
Molecular consequence: missense variant.
Genome position (GRCh38, 1-based): chr15:48,481,705, C>T on the plus strand (G>A on the coding strand, the complement: FBN1 is on the minus strand). VCF-style: chr15-48481705-C-T. GRCh37 (hg19) VCF-style: chr15-48773902-C-T.
Other names: c.3914G>A, p.Cys1305Tyr (NM_001406716.1); short protein forms C1305Y.
Identifiers: ClinVar variation 2929120 (VCV002929120.3), dbSNP rs2505533464, ClinGen allele CA392322301.
Genomic context (GRCh38, chr15:48,481,705, plus strand): 5'-ACAAACACACCTGTACAGCCAGTTTTTCCTTTTTTGCCGGAGTAGCCCATATCACAGTGG[C>T]AGATAAATGAGCCTTTCGTGTTTTCACAGGTCCCACTTAGGCAGATATTTGGATTCAGGT-3'
Protein context (NP_000129.3, residues 1295-1315): TCENTKGSFI[Cys1305Tyr]HCDMGYSGKK

ClinVar aggregate classification (germline): Pathogenic (1 of 4 stars; one submission).

Conditions:
Marfan syndrome (MFS). Also called: MARFAN SYNDROME, TYPE I; Marfan syndrome type 1; Marfan's syndrome; Marfan syndrome, classic; FBN1-Related Marfan Syndrome. Identifiers: Orphanet 284963, Orphanet 558, MedGen C0024796, MONDO:0007947, OMIM 154700.
Familial thoracic aortic aneurysm and aortic dissection (TAAD). Also called: Thoracic aortic aneurysms and dissections. Identifiers: Orphanet 91387, MedGen C4707243, MONDO:0019625.

Submission:

Labcorp Genetics (formerly Invitae), Labcorp
Classification: Pathogenic for Marfan syndrome; Familial thoracic aortic aneurysm and aortic dissection. Last evaluated: 2023-08-29. Review status: criteria provided, single submitter. Criteria: Invitae Variant Classification Sherloc (09022015). Collection method: clinical testing. Allele origin: germline.
Comment: This variant affects a cysteine residue in the EGF-like, TGFBP or hybrid motif domains of FBN1. Cysteine residues are believed to be involved in intramolecular disulfide bridges and have been shown to be important for FBN1 protein structure (PMID: 16905551, 19349279). In addition, missense substitutions affecting cysteine residues within these domains are significantly overrepresented among patients with Marfan syndrome (PMID: 16571647, 17701892). For these reasons, this variant has been classified as Pathogenic. Advanced modeling of protein sequence and biophysical properties (such as structural, functional, and spatial information, amino acid conservation, physicochemical variation, residue mobility, and thermodynamic stability) performed at Invitae indicates that this missense variant is expected to disrupt FBN1 protein function. This sequence change replaces cysteine, which is neutral and slightly polar, with tyrosine, which is neutral and polar, at codon 1305 of the FBN1 protein (p.Cys1305Tyr). This variant is not present in population databases (gnomAD no frequency). This missense change has been observed in individuals with Marfan syndrome (PMID: 29768367; Invitae).

Literature cited by the submitters: PubMed 16905551; PubMed 19349279; PubMed 16571647; PubMed 17701892; PubMed 29768367.